The following is an entry in ClinVar:

ClinVar aggregate classification (germline): Conflicting classifications of pathogenicity. Review status: criteria provided, conflicting classifications (1 of 4 stars). 7 submissions from 7 submitters: Uncertain significance (5); Likely benign (2). Last evaluated 2026-06-23.

Conditions:
TTN-related disorder. Also called: TTN-related condition; TTN-related disease; TTN-related disorders.
Cardiovascular phenotype. Identifiers: MedGen CN230736.

Allele frequency attached by ClinVar (database versions not stated): gnomAD exomes 0.00002 and 0.00012; ExAC 0.00003; gnomAD 0.00003 and 0.00004; TOPMed 0.00008; ESP Exome Variant Server 0.00025.
gnomAD v4.1: 181 of 1,613,718 alleles (0.011%); highest among the groups gnomAD compares: Non-Finnish European, 0.014%; no homozygotes.

Submissions (7):

PreventionGenetics, part of Exact Sciences
Classification: Uncertain significance for TTN-related condition. Last evaluated: 2026-06-23. Review status: criteria provided, single submitter. Criteria: ACMG Guidelines, 2015. Collection method: clinical testing. Allele origin: germline.
Comment: The TTN c.90748G>A variant is predicted to result in the amino acid substitution p.Glu30250Lys. To our knowledge, this variant has not been reported in the literature. This variant is reported in 0.0085% of alleles in individuals of Latino descent in gnomAD. Although we suspect that this variant may be benign, at this time, the clinical significance of this variant is uncertain due to the absence of conclusive functional and genetic evidence.

Revvity Omics, Revvity
Classification: Uncertain significance. Last evaluated: 2023-08-16. Review status: criteria provided, single submitter. Criteria: ACMG Guidelines, 2015. Collection method: clinical testing. Allele origin: germline.

Blueprint Genetics
Classification: Likely benign. Last evaluated: 2023-06-21. Review status: criteria provided, single submitter. Criteria: ACMG Guidelines, 2015. Collection method: clinical testing. Allele origin: germline.

Women's Health and Genetics/Laboratory Corporation of America, LabCorp
Classification: Uncertain significance. Last evaluated: 2022-08-06. Review status: criteria provided, single submitter. Criteria: LabCorp Variant Classification Summary - May 2015. Collection method: clinical testing. Allele origin: germline.

GeneDx
Classification: Likely benign. Last evaluated: 2019-01-29. Review status: criteria provided, single submitter. Criteria: GeneDx Variant Classification Process June 2021. Collection method: clinical testing. Allele origin: germline. Affected: yes.

Ambry Genetics
Classification: Uncertain significance for Cardiovascular phenotype. Last evaluated: 2018-12-12. Review status: criteria provided, single submitter. Criteria: Ambry Variant Classification Scheme 2023. Collection method: clinical testing. Allele origin: germline.
Comment: The p.E21185K variant (also known as c.63553G>A), located in coding exon 162 of the TTN gene, results from a G to A substitution at nucleotide position 63553. The glutamic acid at codon 21185 is replaced by lysine, an amino acid with similar properties. This amino acid position is not well conserved in available vertebrate species, and lysine is the reference amino acid in other vertebrate species. In addition, this alteration is predicted to be tolerated by in silico analysis. Since supporting evidence is limited at this time, the clinical significance of this alteration remains unclear.

Eurofins Ntd Llc (ga)
Classification: Uncertain significance. Last evaluated: 2017-02-22. Review status: criteria provided, single submitter. Criteria: EGL Classification Definitions 2015. Collection method: clinical testing. Allele origin: germline. Observed: 3 variant alleles, 3 heterozygotes.

NM_001267550.2(TTN):c.90748G>A (p.Glu30250Lys)

Genes: TTN (titin; minus strand), TTN-AS1 (TTN antisense RNA 1; plus strand). Cytogenetic location: 2q31.2.
Variant type: single nucleotide variant.
Coding change: c.90748G>A on transcript NM_001267550.2 (MANE Select); coding-DNA position 90748, G replaced by A.
Protein change: p.Glu30250Lys; replaces glutamic acid 30250 with lysine.
Molecular consequence: missense variant.
Genome position (GRCh38, 1-based): chr2:178,552,152, C>T on the plus strand (G>A on the coding strand, the complement: TTN is on the minus strand). VCF-style: chr2-178552152-C-T. GRCh37 (hg19) VCF-style: chr2-179416879-C-T.
Other names: c.85825G>A, p.Glu28609Lys (NM_001256850.1); c.63553G>A, p.Glu21185Lys (NM_003319.4); c.83044G>A, p.Glu27682Lys (NM_133378.4); c.63928G>A, p.Glu21310Lys (NM_133432.3); c.64129G>A, p.Glu21377Lys (NM_133437.4); short protein forms E27682K, E30250K, E21185K, E21377K, E28609K, E21310K.
Identifiers: ClinVar variation 497093 (VCV000497093.16), dbSNP rs200651247, ClinGen allele CA1987749.
Genomic context (GRCh38, chr2:178,552,152, plus strand): 5'-TTTGTGAAGTTTCCCGCTTCTCGATGCTGTAACAAGTAATTTCTCCTCCTCCATTATCTT[C>T]AGGTACATCCCATGACAGGATGACACTATCAGCCTTGATTTCATCAAATCGAATGGGTCC-3'
Protein context (NP_001254479.2, residues 30240-30260): DSVILSWDVP[Glu30250Lys]DNGGGEITCY